The following is an entry in ClinVar:

NM_012330.4(KAT6B):c.5243T>C (p.Val1748Ala)

Gene: KAT6B (lysine acetyltransferase 6B; plus strand). Cytogenetic location: 10q22.2.
Variant type: single nucleotide variant.
Coding change: c.5243T>C on transcript NM_012330.4 (MANE Select); coding-DNA position 5243, T replaced by C.
Protein change: p.Val1748Ala; replaces valine 1748 with alanine.
Molecular consequence: missense variant.
Genome position (GRCh38, 1-based): chr10:75,030,067, T>C. VCF-style: chr10-75030067-T-C. GRCh37 (hg19) VCF-style: chr10-76789825-T-C.
Other names: c.4694T>C, p.Val1565Ala (NM_001256468.2, NM_001370138.1); c.4367T>C, p.Val1456Ala (NM_001256469.2, NM_001370139.1, NM_001370140.1 and 2 more transcripts); c.4205T>C, p.Val1402Ala (NM_001370132.1); c.3554T>C, p.Val1185Ala (NM_001370133.1); c.3158T>C, p.Val1053Ala (NM_001370134.1); c.2900T>C, p.Val967Ala (NM_001370135.1); c.5243T>C, p.Val1748Ala (NM_001370136.1, NM_001370137.1); c.4178T>C, p.Val1393Ala (NM_001370143.1, NM_001370144.1); short protein forms V1748A, V1393A, V967A, V1185A, V1402A, V1565A, V1053A, V1456A.
Identifiers: ClinVar variation 453060 (VCV000453060.3), dbSNP rs1305986308, ClinGen allele CA377300529.

ClinVar aggregate classification (germline): Conflicting classifications of pathogenicity. Review status: criteria provided, conflicting classifications (1 of 4 stars). 2 submissions from 2 submitters: Uncertain significance (1); Likely benign (1). Last evaluated 2025-10-01.

Conditions:
Genitopatellar syndrome (GTPTS). Also called: Genitopatellar syndrome (GPS); ABSENT PATELLAE, SCROTAL HYPOPLASIA, RENAL ANOMALIES, FACIAL DYSMORPHISM, AND MENTAL RETARDATION. Identifiers: Orphanet 85201, MedGen C1853566, MONDO:0011640, OMIM 606170.

Allele frequency attached by ClinVar (database versions not stated): gnomAD exomes 0.00001; TOPMed 0.00002.
gnomAD v4.1: 11 of 1,614,158 alleles (0.00068%); highest among the groups gnomAD compares: African/African-American, 0.0013%; no homozygotes.

Submissions (2):

Labcorp Genetics (formerly Invitae), Labcorp
Classification: Likely benign for Genitopatellar syndrome. Last evaluated: 2025-10-01. Review status: criteria provided, single submitter. Criteria: Invitae Variant Classification Sherloc (09022015). Collection method: clinical testing. Allele origin: germline.

GeneDx
Classification: Uncertain significance. Last evaluated: 2018-06-12. Review status: criteria provided, single submitter. Criteria: GeneDx Variant Classification (06012015). Collection method: clinical testing. Allele origin: germline. Affected: yes.
Comment: The V1748A variant in the KAT6B gene has not been reported previously as a pathogenic variant, nor as a benign variant, to our knowledge. The V1748A variant is not observed in large population cohorts (Lek et al., 2016). The V1748A variant is a conservative amino acid substitution, which is not likely to impact secondary protein structure as these residues share similar properties. This substitution occurs at a position that is conserved across species. In silico analysis predicts this variant is probably damaging to the protein structure/function. We interpret V1748A as a variant of uncertain significance.